The following is an entry in ClinVar:

ClinVar aggregate classification (germline): Conflicting classifications of pathogenicity. Review status: criteria provided, conflicting classifications (1 of 4 stars). 4 submissions from 4 submitters: Pathogenic (1); Uncertain significance (3). Last evaluated 2025-11-10.

Submissions (4):

Labcorp Genetics (formerly Invitae), Labcorp
Classification: Pathogenic. Last evaluated: 2025-11-10. Review status: criteria provided, single submitter. Criteria: Invitae Variant Classification Sherloc (09022015). Collection method: clinical testing. Allele origin: germline.
Comment: This sequence change replaces arginine, which is basic and polar, with glycine, which is neutral and non-polar, at codon 1255 of the SPTB protein (p.Arg1255Gly). This variant is not present in population databases (gnomAD no frequency). This missense change has been observed in individual(s) with autosomal dominant spherocytosis (PMID: 34109777; internal data). It has also been observed to segregate with disease in related individuals. ClinVar contains an entry for this variant (Variation ID: 2436408). An algorithm developed to predict the effect of missense changes on protein structure and function (PolyPhen-2) suggests that this variant is likely to be disruptive. Algorithms developed to predict the effect of sequence changes on RNA splicing suggest that this variant may disrupt the consensus splice site. For these reasons, this variant has been classified as Pathogenic.

Center for Genomic Medicine, Rigshospitalet, Copenhagen University Hospital
Classification: Uncertain significance. Last evaluated: 2025-03-04. Review status: criteria provided, single submitter. Criteria: ACMG Guidelines, 2015. Collection method: clinical testing. Allele origin: germline.

Revvity Omics, Revvity
Classification: Uncertain significance. Last evaluated: 2024-04-29. Review status: criteria provided, single submitter. Criteria: ACMG Guidelines, 2015. Collection method: clinical testing. Allele origin: germline.

Mayo Clinic Laboratories, Mayo Clinic
Classification: Uncertain significance. Last evaluated: 2024-04-16. Review status: criteria provided, single submitter. Criteria: ACMG Guidelines, 2015. Collection method: clinical testing. Allele origin: germline. Observed: 1 variant allele.
Comment: PP3, PM2_moderate

Literature cited by the submitters: PubMed 34109777 (cited by 3 submitters).

NM_001355436.2(SPTB):c.3763A>G (p.Arg1255Gly)

Gene: SPTB (spectrin beta, erythrocytic; minus strand). Cytogenetic location: 14q23.3.
Variant type: single nucleotide variant.
Coding change: c.3763A>G on transcript NM_001355436.2 (MANE Select); coding-DNA position 3763, A replaced by G.
Protein change: p.Arg1255Gly; replaces arginine 1255 with glycine.
Molecular consequence: missense variant.
Genome position (GRCh38, 1-based): chr14:64,785,750, T>C on the plus strand (A>G on the coding strand, the complement: SPTB is on the minus strand). VCF-style: chr14-64785750-T-C. GRCh37 (hg19) VCF-style: chr14-65252468-T-C.
Other names: p.Arg1255Gly; c.3763A>G, p.Arg1255Gly (NM_001024858.4, NM_001355437.2); short protein forms R1255G.
Identifiers: ClinVar variation 2436408 (VCV002436408.8), dbSNP rs2503121304, ClinGen allele CA390045777.